The following is an entry in ClinVar:

NM_000883.4(IMPDH1):c.163G>A (p.Ala55Thr)

Gene: IMPDH1 (inosine monophosphate dehydrogenase 1; minus strand). Cytogenetic location: 7q32.1.
Variant type: single nucleotide variant.
Coding change: c.163G>A on transcript NM_000883.4 (MANE Select); coding-DNA position 163, G replaced by A.
Protein change: p.Ala55Thr; replaces alanine 55 with threonine.
Molecular consequence: missense variant. On other transcripts: intron variant (3).
Genome position (GRCh38, 1-based): chr7:128,409,468, C>T on the plus strand (G>A on the coding strand, the complement: IMPDH1 is on the minus strand). VCF-style: chr7-128409468-C-T. GRCh37 (hg19) VCF-style: chr7-128049522-C-T.
Other names: c.163G>A, p.Ala55Thr (NM_001142576.2); c.146+288G>A (NM_001304521.2, NM_183243.3); c.147-102G>A (NM_001102605.2); short protein forms A55T.
Identifiers: ClinVar variation 4811313 (VCV004811313.1).

ClinVar aggregate classification (germline): Uncertain significance (1 of 4 stars; one submission).

gnomAD v4.1: 8 of 1,614,052 alleles (0.0005%); highest among the groups gnomAD compares: African/African-American, 0.008%; no homozygotes.

Submission:

Labcorp Genetics (formerly Invitae), Labcorp
Classification: Uncertain significance. Last evaluated: 2025-07-06. Review status: criteria provided, single submitter. Criteria: Invitae Variant Classification Sherloc (09022015). Collection method: clinical testing. Allele origin: germline.
Comment: This sequence change replaces alanine, which is neutral and non-polar, with threonine, which is neutral and polar, at codon 55 of the IMPDH1 protein (p.Ala55Thr). This variant is not present in population databases (gnomAD no frequency). This variant has not been reported in the literature in individuals affected with IMPDH1-related conditions. An algorithm developed to predict the effect of missense changes on protein structure and function outputs the following: PolyPhen-2: "Benign". The threonine amino acid residue is found in multiple mammalian species, which suggests that this missense change does not adversely affect protein function. In summary, the available evidence is currently insufficient to determine the role of this variant in disease. Therefore, it has been classified as a Variant of Uncertain Significance.